The following is an entry in ClinVar:

NM_001918.5(DBT):c.1251A>G (p.Glu417=)

Gene: DBT (dihydrolipoamide branched chain transacylase E2; minus strand). Cytogenetic location: 1p21.2.
Variant type: single nucleotide variant.
Coding change: c.1251A>G on transcript NM_001918.5 (MANE Select); coding-DNA position 1251, A replaced by G.
Protein change: p.Glu417=; no amino-acid change (glutamic acid 417 retained).
Molecular consequence: synonymous variant. On other transcripts: non-coding transcript variant (4).
Genome position (GRCh38, 1-based): chr1:100,206,260, T>C on the plus strand (A>G on the coding strand, the complement: DBT is on the minus strand). VCF-style: chr1-100206260-T-C. GRCh37 (hg19) VCF-style: chr1-100671816-T-C.
Other names: c.708A>G, p.Glu236= (NM_001399969.1, NM_001399972.1).
Identifiers: ClinVar variation 1980735 (VCV001980735.4), dbSNP rs1220716552, ClinGen allele CA419099377.

ClinVar aggregate classification (germline): Uncertain significance (1 of 4 stars; one submission).

Conditions:
Maple syrup urine disease (MSUD). Identifiers: Orphanet 511, MedGen C0024776, MeSH D008375, MONDO:0009563. Disease mechanism: loss of function.

Allele frequency attached by ClinVar (database versions not stated): gnomAD 0.00001.
gnomAD v4.1: 2 of 1,613,232 alleles (0.00012%); highest among the groups gnomAD compares: African/African-American, 0.0027%; no homozygotes.

Submission:

Labcorp Genetics (formerly Invitae), Labcorp
Classification: Uncertain significance for Maple syrup urine disease. Last evaluated: 2022-07-31. Review status: criteria provided, single submitter. Criteria: Invitae Variant Classification Sherloc (09022015). Collection method: clinical testing. Allele origin: germline.
Comment: This sequence change affects codon 417 of the DBT mRNA. It is a 'silent' change, meaning that it does not change the encoded amino acid sequence of the DBT protein. This variant is not present in population databases (gnomAD no frequency). This variant has not been reported in the literature in individuals affected with DBT-related conditions. Algorithms developed to predict the effect of sequence changes on RNA splicing suggest that this variant may disrupt the consensus splice site. In summary, the available evidence is currently insufficient to determine the role of this variant in disease. Therefore, it has been classified as a Variant of Uncertain Significance.